The following is an entry in ClinVar:

NM_003332.4(TYROBP):c.209G>C (p.Arg70Pro)

Gene: TYROBP (transmembrane immune signaling adaptor TYROBP; minus strand). Cytogenetic location: 19q13.12.
Variant type: single nucleotide variant.
Coding change: c.209G>C on transcript NM_003332.4 (MANE Select); coding-DNA position 209, G replaced by C.
Protein change: p.Arg70Pro; replaces arginine 70 with proline.
Molecular consequence: missense variant. On other transcripts: non-coding transcript variant (1).
Genome position (GRCh38, 1-based): chr19:35,907,466, C>G on the plus strand (G>C on the coding strand, the complement: TYROBP is on the minus strand). VCF-style: chr19-35907466-C-G. GRCh37 (hg19) VCF-style: chr19-36398368-C-G.
Other names: c.176G>C, p.Arg59Pro (NM_001173514.2, NM_001173515.2); c.209G>C, p.Arg70Pro (NM_198125.3); short protein forms R59P, R70P.
Identifiers: ClinVar variation 2098341 (VCV002098341.4), dbSNP rs200634946, ClinGen allele CA405387874.

ClinVar aggregate classification (germline): Uncertain significance (1 of 4 stars; one submission).

gnomAD v4.1: 2 of 1,613,390 alleles (0.00012%); highest among the groups gnomAD compares: Non-Finnish European, 0.000085%; no homozygotes.

Submission:

Labcorp Genetics (formerly Invitae), Labcorp
Classification: Uncertain significance. Last evaluated: 2025-02-24. Review status: criteria provided, single submitter. Criteria: Invitae Variant Classification Sherloc (09022015). Collection method: clinical testing. Allele origin: germline.
Comment: This sequence change replaces arginine, which is basic and polar, with proline, which is neutral and non-polar, at codon 70 of the TYROBP protein (p.Arg70Pro). This variant is not present in population databases (gnomAD no frequency). This variant has not been reported in the literature in individuals affected with TYROBP-related conditions. ClinVar contains an entry for this variant (Variation ID: 2098341). An algorithm developed to predict the effect of missense changes on protein structure and function (PolyPhen-2) suggests that this variant is likely to be disruptive. In summary, the available evidence is currently insufficient to determine the role of this variant in disease. Therefore, it has been classified as a Variant of Uncertain Significance.